The following is an entry in ClinVar:

ClinVar aggregate classification (germline): Uncertain significance (1 of 4 stars; one submission).

gnomAD v4.1: 5 of 1,613,938 alleles (0.00031%); highest among the groups gnomAD compares: East Asian, 0.0022%; no homozygotes.

Submission:

Ambry Genetics
Classification: Uncertain significance. Last evaluated: 2025-08-01. Review status: criteria provided, single submitter. Criteria: Ambry Variant Classification Scheme 2023. Collection method: clinical testing. Allele origin: germline.
Comment: The p.D782H variant (also known as c.2344G>C), located in coding exon 13 of the ATRIP gene, results from a G to C substitution at nucleotide position 2344. The aspartic acid at codon 782 is replaced by histidine, an amino acid with similar properties. This amino acid position is conserved. In addition, the in silico prediction for this alteration is inconclusive. Based on the available evidence, the clinical significance of this variant remains unclear.

NM_130384.3(ATRIP):c.2344G>C (p.Asp782His)

Genes: ATRIP (ATR interacting protein; plus strand), ATRIP-TREX1 (ATRIP-TREX1 readthrough; plus strand), LOC129936704 (ATAC-STARR-seq lymphoblastoid active region 19829; plus strand). Cytogenetic location: 3p21.31.
Variant type: single nucleotide variant.
Coding change: c.2344G>C on transcript NM_130384.3 (MANE Select); coding-DNA position 2344, G replaced by C.
Protein change: p.Asp782His; replaces aspartic acid 782 with histidine.
Molecular consequence: missense variant. On other transcripts: non-coding transcript variant (1).
Genome position (GRCh38, 1-based): chr3:48,465,522, G>C. VCF-style: chr3-48465522-G-C. GRCh37 (hg19) VCF-style: chr3-48506921-G-C.
Other names: c.-814G>C (NM_033629.4); c.1963G>C, p.Asp655His (NM_001271022.2); c.2065G>C, p.Asp689His (NM_001271023.2); c.2263G>C, p.Asp755His (NM_032166.4); short protein forms D689H, D782H, D755H, D655H.
Identifiers: ClinVar variation 4182297 (VCV004182297.1).